The following is an entry in ClinVar:

ClinVar aggregate classification (germline): Conflicting classifications of pathogenicity. Review status: criteria provided, conflicting classifications (1 of 4 stars). 2 submissions from 2 submitters: Uncertain significance (1); Likely benign (1). Last evaluated 2023-02-01.

Conditions:
Autosomal recessive nonsyndromic hearing loss 30. Identifiers: Orphanet 90636, MedGen C1846784, MONDO:0011774, OMIM 607101.

Allele frequency attached by ClinVar (database versions not stated): 1000 Genomes Project 0.00280; 1000 Genomes Project 30x 0.00344; TOPMed 0.00676; gnomAD 0.00811 and 0.00838; gnomAD exomes 0.00941.
gnomAD v4.1: 1,753 of 209,116 alleles (0.84%); highest among the groups gnomAD compares: Middle Eastern, 1.2%; 14 homozygotes.

Submissions (2):

CeGaT Center for Human Genetics Tuebingen
Classification: Likely benign. Last evaluated: 2023-02-01. Review status: criteria provided, single submitter. Criteria: CeGaT Center For Human Genetics Tuebingen Variant Classification Criteria Version 2. Collection method: clinical testing. Allele origin: germline. Affected: yes. Observed: 3 variant alleles.
Comment: MYO3A: BS1

Illumina Laboratory Services, Illumina
Classification: Uncertain significance for Autosomal recessive nonsyndromic hearing loss 30. Last evaluated: 2018-01-12. Review status: criteria provided, single submitter. Criteria: ICSL Variant Classification Criteria 13 December 2019. Collection method: clinical testing. Allele origin: germline.

NM_017433.5(MYO3A):c.*493G>A

Gene: MYO3A (myosin IIIA; plus strand). Cytogenetic location: 10p12.1.
Variant type: single nucleotide variant.
Coding change: c.*493G>A on transcript NM_017433.5 (MANE Select); 493 bases downstream of the stop codon, G replaced by A.
Molecular consequence: 3 prime UTR variant.
Genome position (GRCh38, 1-based): chr10:26,212,456, G>A. VCF-style: chr10-26212456-G-A. GRCh37 (hg19) VCF-style: chr10-26501385-G-A.
Identifiers: ClinVar variation 299690 (VCV000299690.33), dbSNP rs72787376, ClinGen allele CA10628421.
Genomic context (GRCh38, chr10:26,212,456, plus strand): 5'-TTGCTAGCGGTTGAATCTTAGAGAAAAAAGCCCGGGAGGGGTGGGGAGAATTTCGAAGAT[G>A]TATTTCATCTCAAGCTTGCTCTTTCTCTTCCTTTGGTTATTAAGGTCACTAAATAAAGGA-3'